The following is an entry in ClinVar:

NM_014249.4(NR2E3):c.739C>T (p.Arg247Trp)

Gene: NR2E3 (nuclear receptor subfamily 2 group E member 3; plus strand). Cytogenetic location: 15q23.
Variant type: single nucleotide variant.
Coding change: c.739C>T on transcript NM_014249.4 (MANE Select); coding-DNA position 739, C replaced by T.
Protein change: p.Arg247Trp; replaces arginine 247 with tryptophan.
Molecular consequence: missense variant.
Genome position (GRCh38, 1-based): chr15:71,812,503, C>T. VCF-style: chr15-71812503-C-T. GRCh37 (hg19) VCF-style: chr15-72104843-C-T.
Other names: c.739C>T, p.Arg247Trp (NM_016346.4); short protein forms R247W.
Identifiers: ClinVar variation 3336047 (VCV003336047.3).

ClinVar aggregate classification (germline): Uncertain significance. Review status: criteria provided, multiple submitters, no conflicts (2 of 4 stars). 3 submissions from 3 submitters: Uncertain significance (3). Last evaluated 2026-01-20.

Conditions:
ENHANCED S-CONE SYNDROME 1 (ESCS1). Also called: RETINOSCHISIS WITH EARLY HEMERALOPIA; FAVRE HYALOIDEORETINAL DEGENERATION. Identifiers: MedGen CN380299, OMIM 268100.

Submissions (3):

Myriad Genetics, Inc.
Classification: Uncertain significance for ENHANCED S-CONE SYNDROME 1. Last evaluated: 2026-01-20. Review status: criteria provided, single submitter. Criteria: Myriad Autosomal Dominant, Autosomal Recessive and X-Linked Classification Criteria (2023). Collection method: clinical testing. Allele origin: unknown.
Comment: NM_014249.2(NR2E3):c.739C>T(R247W) is a missense variant classified as a variant of uncertain significance in the context of enhanced S-cone syndrome. R247W has been observed in a case with relevant disease (PMID: 32679203). Relevant functional assessments of this variant are not available in the literature. R247W has not been observed in referenced population frequency databases. In summary, there is insufficient evidence to classify NM_014249.2(NR2E3):c.739C>T(R247W) as pathogenic or benign. Please note: this variant was assessed in the context of healthy population screening.

Women's Health and Genetics/Laboratory Corporation of America, LabCorp
Classification: Uncertain significance. Last evaluated: 2024-05-10. Review status: criteria provided, single submitter. Criteria: LabCorp Variant Classification Summary - May 2015. Collection method: clinical testing. Allele origin: germline.
Comment: Variant summary: NR2E3 c.739C>T (p.Arg247Trp) results in a non-conservative amino acid change located in the Nuclear hormone receptor, ligand-binding domain (IPR000536) of the encoded protein sequence. Four of four in-silico tools predict a damaging effect of the variant on protein function. The variant was absent in 244844 control chromosomes. The available data on variant occurrences in the general population are insufficient to allow any conclusion about variant significance. c.739C>T has been reported in at least one individual with a clinical diagnosis of autosomal recessive enhanced S-cone syndrome (example, de Carvalho_2021, Xiao_2023). These data do not allow any conclusion about variant significance. To our knowledge, no experimental evidence demonstrating an impact on protein function has been reported. The following publications have been ascertained in the context of this evaluation (PMID: 37628579, 32679203). No submitters have cited clinical-significance assessments for this variant to ClinVar. Based on the evidence outlined above, the variant was classified as uncertain significance.

Blueprint Genetics
Classification: Uncertain significance. Last evaluated: 2019-06-10. Review status: criteria provided, single submitter. Criteria: ACMG Guidelines, 2015. Collection method: clinical testing. Allele origin: germline.

Literature cited by the submitters: PubMed 32679203 (cited by Myriad Genetics, Inc. and Women's Health and Genetics/Laboratory Corporation of America, LabCorp); PubMed 37628579 (cited by Women's Health and Genetics/Laboratory Corporation of America, LabCorp).